The following is an entry in ClinVar:

NM_016284.5(CNOT1):c.4108T>G (p.Leu1370Val)

Gene: CNOT1 (CCR4-NOT transcription complex subunit 1; minus strand). Cytogenetic location: 16q21.
Variant type: single nucleotide variant.
Coding change: c.4108T>G on transcript NM_016284.5 (MANE Select); coding-DNA position 4108, T replaced by G.
Protein change: p.Leu1370Val; replaces leucine 1370 with valine.
Molecular consequence: missense variant. On other transcripts: non-coding transcript variant (1).
Genome position (GRCh38, 1-based): chr16:58,545,390, A>C on the plus strand (T>G on the coding strand, the complement: CNOT1 is on the minus strand). VCF-style: chr16-58545390-A-C. GRCh37 (hg19) VCF-style: chr16-58579294-A-C.
Other names: c.4093T>G, p.Leu1365Val (NM_001265612.2); c.4108T>G, p.Leu1370Val (NM_206999.3); short protein forms L1365V, L1370V.
Identifiers: ClinVar variation 3146584 (VCV003146584.3), dbSNP rs2040226369, ClinGen allele CA396170495.

ClinVar aggregate classification (germline): Uncertain significance. Review status: criteria provided, multiple submitters, no conflicts (2 of 4 stars). 2 submissions from 2 submitters: Uncertain significance (2). Last evaluated 2025-11-21.

Conditions:
Inborn genetic diseases. Identifiers: MedGen C0950123, MeSH D030342.
Vissers-Bodmer syndrome. Identifiers: MedGen C5436647, MONDO:0033618, OMIM 619033.

Allele frequency attached by ClinVar (database versions not stated): TOPMed 0.00001; gnomAD 0.00001.
gnomAD v4.1: 1 of 1,613,956 alleles (0.000062%); highest among the groups gnomAD compares: Admixed American, 0.0017%; no homozygotes.

Submissions (2):

Dasa
Classification: Uncertain significance for Vissers-Bodmer syndrome. Last evaluated: 2025-11-21. Review status: criteria provided, single submitter. Criteria: DASA Assertion Criteria. Collection method: clinical testing. Allele origin: germline.
Comment: NM_016284.5(CNOT1):c.4108T>G (p.Leu1370Val) is a missense variant that results in the substitution of leucine with valine. This variant is rare in population databases. The currently available literature and clinical evidence are not sufficient to establish a definitive association between this variant and the reported condition. Therefore, this variant is classified as a variant of uncertain significance.

Ambry Genetics
Classification: Uncertain significance for Inborn genetic diseases. Last evaluated: 2024-01-04. Review status: criteria provided, single submitter. Criteria: Ambry Variant Classification Scheme 2023. Collection method: clinical testing. Allele origin: germline.